The following is an entry in ClinVar:

ClinVar aggregate classification (germline): Uncertain significance (1 of 4 stars; one submission).

Submission:

GeneDx
Classification: Uncertain significance. Last evaluated: 2022-12-02. Review status: criteria provided, single submitter. Criteria: GeneDx Variant Classification Process June 2021. Collection method: clinical testing. Allele origin: germline. Affected: yes.
Comment: Not observed at significant frequency in large population cohorts (gnomAD); In silico analysis supports that this missense variant has a deleterious effect on protein structure/function; Has not been previously published as pathogenic or benign to our knowledge

NM_198503.5(KCNT2):c.1559G>A (p.Gly520Asp)

Gene: KCNT2 (potassium sodium-activated channel subfamily T member 2; minus strand). Cytogenetic location: 1q31.3.
Variant type: single nucleotide variant.
Coding change: c.1559G>A on transcript NM_198503.5 (MANE Select); coding-DNA position 1559, G replaced by A.
Protein change: p.Gly520Asp; replaces glycine 520 with aspartic acid.
Molecular consequence: missense variant. On other transcripts: non-coding transcript variant (2).
Genome position (GRCh38, 1-based): chr1:196,340,565, C>T on the plus strand (G>A on the coding strand, the complement: KCNT2 is on the minus strand). VCF-style: chr1-196340565-C-T. GRCh37 (hg19) VCF-style: chr1-196309695-C-T.
Other names: c.1559G>A, p.Gly520Asp (NM_001287819.3); c.1409G>A, p.Gly470Asp (NM_001287820.3); short protein forms G470D, G520D.
Identifiers: ClinVar variation 2504224 (VCV002504224.1), dbSNP rs2527045292, ClinGen allele CA343979427.